The following is an entry in ClinVar:

NM_015338.6(ASXL1):c.1364A>C (p.Lys455Thr)

Gene: ASXL1 (ASXL transcriptional regulator 1; plus strand). Cytogenetic location: 20q11.21.
Variant type: single nucleotide variant.
Coding change: c.1364A>C on transcript NM_015338.6 (MANE Select); coding-DNA position 1364, A replaced by C.
Protein change: p.Lys455Thr; replaces lysine 455 with threonine.
Molecular consequence: missense variant.
Genome position (GRCh38, 1-based): chr20:32,433,562, A>C. VCF-style: chr20-32433562-A-C. GRCh37 (hg19) VCF-style: chr20-31021365-A-C.
Other names: c.1181A>C, p.Lys394Thr (NM_001363734.1); short protein forms K455T, K394T.
Identifiers: ClinVar variation 5030123 (VCV005030123.1).

ClinVar aggregate classification (germline): Uncertain significance (1 of 4 stars; one submission).

Conditions:
Inborn genetic diseases. Identifiers: MedGen C0950123, MeSH D030342.

Submission:

Ambry Genetics
Classification: Uncertain significance for Inborn genetic diseases. Last evaluated: 2026-07-28. Review status: criteria provided, single submitter. Criteria: Ambry Variant Classification Scheme 2023. Collection method: clinical testing. Allele origin: germline.
Comment: The p.K455T variant (also known as c.1364A>C), located in coding exon 12 of the ASXL1 gene, results from an A to C substitution at nucleotide position 1364. The lysine at codon 455 is replaced by threonine, an amino acid with similar properties. This amino acid position is conserved. In addition, this alteration is predicted to be tolerated by in silico analysis. Based on the available evidence, the clinical significance of this variant remains unclear.